The following is an entry in ClinVar:

NM_001042492.3(NF1):c.7062+6C>T

Gene: NF1 (neurofibromin 1; plus strand). Cytogenetic location: 17q11.2.
Variant type: single nucleotide variant.
Coding change: c.7062+6C>T on transcript NM_001042492.3 (MANE Select); 6 bases into the intron after coding-DNA position 7062, C replaced by T.
Molecular consequence: intron variant.
Genome position (GRCh38, 1-based): chr17:31,340,651, C>T. VCF-style: chr17-31340651-C-T. GRCh37 (hg19) VCF-style: chr17-29667669-C-T.
Other names: c.6999+6C>T (NM_000267.4).
Identifiers: ClinVar variation 2737515 (VCV002737515.3), dbSNP rs2069795623, ClinGen allele CA982981508.

ClinVar aggregate classification (germline): Uncertain significance (1 of 4 stars; one submission).

Conditions:
Neurofibromatosis, type 1 (NF1). Also called: Neurofibromatosis, type I; Peripheral type neurofibromatosis; VON RECKLINGHAUSEN DISEASE; NEUROFIBROMATOSIS, TYPE I, SOMATIC. Identifiers: Orphanet 636, MedGen C0027831, MONDO:0018975, OMIM 162200. Disease mechanism: loss of function.

Allele frequency attached by ClinVar (database versions not stated): gnomAD 0.00001.
gnomAD v4.1: 1 of 1,613,746 alleles (0.000062%); highest among the groups gnomAD compares: South Asian, 0.0011%; no homozygotes.

Submission:

Labcorp Genetics (formerly Invitae), Labcorp
Classification: Uncertain significance for Neurofibromatosis, type 1. Last evaluated: 2023-06-29. Review status: criteria provided, single submitter. Criteria: Invitae Variant Classification Sherloc (09022015). Collection method: clinical testing. Allele origin: germline.
Comment: In summary, the available evidence is currently insufficient to determine the role of this variant in disease. Therefore, it has been classified as a Variant of Uncertain Significance. Variants that disrupt the consensus splice site are a relatively common cause of aberrant splicing (PMID: 17576681, 9536098). Algorithms developed to predict the effect of sequence changes on RNA splicing suggest that this variant is not likely to affect RNA splicing. This variant has not been reported in the literature in individuals affected with NF1-related conditions. This sequence change falls in intron 46 of the NF1 gene. It does not directly change the encoded amino acid sequence of the NF1 protein. It affects a nucleotide within the consensus splice site. This variant is not present in population databases (gnomAD no frequency).

Literature cited by the submitters: PubMed 17576681; PubMed 9536098.